The following is an entry in ClinVar:

ClinVar aggregate classification (germline): Pathogenic (1 of 4 stars; one submission).

Conditions:
Joubert syndrome. Also called: CEREBELLOPARENCHYMAL DISORDER IV; JOUBERT-BOLTSHAUSER SYNDROME; Familial aplasia of the vermis. Identifiers: Orphanet 475, MedGen C5979921, MONDO:0018772.
Meckel-Gruber syndrome. Also called: DYSENCEPHALIA SPLANCHNOCYSTICA; GRUBER SYNDROME; Dysencephalia splachnocystica. Identifiers: Orphanet 564, MedGen C0265215, MONDO:0018921.

Submission:

Labcorp Genetics (formerly Invitae), Labcorp
Classification: Pathogenic for Joubert syndrome; Meckel-Gruber syndrome. Last evaluated: 2021-08-12. Review status: criteria provided, single submitter. Criteria: Invitae Variant Classification Sherloc (09022015). Collection method: clinical testing. Allele origin: germline.
Comment: This variant is a gross deletion of the genomic region encompassing exon(s) 4-5 of the CC2D2A gene. This deletion is out-of-frame, and is expected to create a premature termination codon and result in an absent or disrupted protein product. Loss-of-function variants in CC2D2A are known to be pathogenic (PMID: 19777577). This variant has not been reported in the literature in individuals affected with CC2D2A-related conditions. For these reasons, this variant has been classified as Pathogenic.

Literature cited by the submitters: PubMed 19777577.

NC_000004.11:g.(?_15480327)_(15482471_?)del

Gene: CC2D2A (coiled-coil and C2 domain containing 2A; plus strand). Cytogenetic location: 4p15.32.
Variant type: Deletion.
Identifiers: ClinVar variation 2423662 (VCV002423662.2).